The following is an entry in ClinVar:

ClinVar aggregate classification (germline): Likely benign. Review status: criteria provided, single submitter (1 of 4 stars). 2 submissions from 2 submitters: Likely benign (1). 1 of the submissions does not count toward it. Last evaluated 2024-08-13.

Conditions:
PLXNA1-related disorder. Also called: PLXNA1-related condition.

Allele frequency attached by ClinVar (database versions not stated): ExAC 0.00001; gnomAD 0.00001; TOPMed 0.00001; gnomAD exomes 0.00002.

Submissions (2):

Labcorp Genetics (formerly Invitae), Labcorp
Classification: Likely benign. Last evaluated: 2024-08-13. Review status: criteria provided, single submitter. Criteria: Invitae Variant Classification Sherloc (09022015). Collection method: clinical testing. Allele origin: germline.

PreventionGenetics, part of Exact Sciences
Classification: Likely benign for PLXNA1-related condition. Last evaluated: 2021-11-26. Review status: no assertion criteria provided. Collection method: clinical testing. Allele origin: germline. Not counted in ClinVar's aggregate classification.
Comment: This variant is classified as likely benign based on ACMG/AMP sequence variant interpretation guidelines (Richards et al. 2015 PMID: 25741868, with internal and published modifications).

NM_032242.4(PLXNA1):c.4758A>G (p.Thr1586=)

Gene: PLXNA1 (plexin A1; plus strand). Cytogenetic location: 3q21.3.
Variant type: single nucleotide variant.
Coding change: c.4758A>G on transcript NM_032242.4 (MANE Select); coding-DNA position 4758, A replaced by G.
Protein change: p.Thr1586=; no amino-acid change (threonine 1586 retained).
Molecular consequence: synonymous variant.
Genome position (GRCh38, 1-based): chr3:127,029,081, A>G. VCF-style: chr3-127029081-A-G. GRCh37 (hg19) VCF-style: chr3-126747924-A-G.
Other names: c.4758A>G (NM_032242.3).
Identifiers: ClinVar variation 2177887 (VCV002177887.6), dbSNP rs765788107, ClinGen allele CA2594480.